The following is an entry in ClinVar:

ClinVar aggregate classification (germline): Uncertain significance (1 of 4 stars; one submission).

Allele frequency attached by ClinVar (database versions not stated): gnomAD 0.00001; TOPMed 0.00001 and 0.00002; ESP Exome Variant Server 0.00008; ExAC 0.00001; gnomAD exomes 0.00001.
gnomAD v4.1: 10 of 1,613,710 alleles (0.00062%); highest among the groups gnomAD compares: Non-Finnish European, 0.00076%; no homozygotes.

Submission:

GeneDx
Classification: Uncertain significance. Last evaluated: 2014-09-11. Review status: criteria provided, single submitter. Criteria: GeneDx Variant Classification (06012015). Collection method: clinical testing. Allele origin: germline. Affected: yes.
Comment: Missense variants in the TTN gene are considered 'unclassified' if they are not previously reported in the literature and do not have >1% frequency in the population to be considered a polymorphism. Research indicates that truncating mutations in the TTN gene are expected to account for approximately 25% of familial and 18% of sporadic idiopathic DCM; however, truncating variants in the TTN gene have been reported in approximately 3% of reported control alleles. There has been little investigation into non-truncating variants. (Herman D et al. Truncations of titin causing dilated cardiomyopathy. N Eng J Med 366:619-628, 2012) The variant is found in CARDIOMYOPATHY panel(s).

NM_001267550.2(TTN):c.87251C>A (p.Pro29084His)

Genes: TTN (titin; minus strand), TTN-AS1 (TTN antisense RNA 1; plus strand). Cytogenetic location: 2q31.2.
Variant type: single nucleotide variant.
Coding change: c.87251C>A on transcript NM_001267550.2 (MANE Select); coding-DNA position 87251, C replaced by A.
Protein change: p.Pro29084His; replaces proline 29084 with histidine.
Molecular consequence: missense variant.
Genome position (GRCh38, 1-based): chr2:178,558,103, G>T on the plus strand (C>A on the coding strand, the complement: TTN is on the minus strand). VCF-style: chr2-178558103-G-T. GRCh37 (hg19) VCF-style: chr2-179422830-G-T.
Other names: p.P27443H:CCC>CAC; c.82328C>A, p.Pro27443His (NM_001256850.1); c.60056C>A, p.Pro20019His (NM_003319.4); c.79547C>A, p.Pro26516His (NM_133378.4); c.60431C>A, p.Pro20144His (NM_133432.3); c.60632C>A, p.Pro20211His (NM_133437.4); short protein forms P27443H, P29084H, P20144H, P26516H, P20019H, P20211H.
Identifiers: ClinVar variation 202938 (VCV000202938.2), dbSNP rs370776552, ClinGen allele CA310744.